The following is an entry in ClinVar:

NM_001122630.2(CDKN1C):c.233C>T (p.Ala78Val)

Gene: CDKN1C (cyclin dependent kinase inhibitor 1C; minus strand). Cytogenetic location: 11p15.4.
Variant type: single nucleotide variant.
Coding change: c.233C>T on transcript NM_001122630.2 (MANE Select); coding-DNA position 233, C replaced by T.
Protein change: p.Ala78Val; replaces alanine 78 with valine.
Molecular consequence: missense variant.
Genome position (GRCh38, 1-based): chr11:2,885,224, G>A on the plus strand (C>T on the coding strand, the complement: CDKN1C is on the minus strand). VCF-style: chr11-2885224-G-A. GRCh37 (hg19) VCF-style: chr11-2906454-G-A.
Other names: c.266C>T, p.Ala89Val (NM_000076.2, NM_001362474.2); c.233C>T, p.Ala78Val (NM_001122631.2, NM_001362475.2); short protein forms A78V, A89V.
Identifiers: ClinVar variation 943653 (VCV000943653.9), dbSNP rs1848969930, ClinGen allele CA379147153.

ClinVar aggregate classification (germline): Uncertain significance (1 of 4 stars; one submission).

Conditions:
Beckwith-Wiedemann syndrome (BWS). Also called: Exomphalos macroglossia gigantism syndrome; EMG SYNDROME. Identifiers: Orphanet 116, MedGen C0004903, MONDO:0007534, OMIM 130650.

Submission:

Labcorp Genetics (formerly Invitae), Labcorp
Classification: Uncertain significance for Beckwith-Wiedemann syndrome. Last evaluated: 2019-05-18. Review status: criteria provided, single submitter. Criteria: Invitae Variant Classification Sherloc (09022015). Collection method: clinical testing. Allele origin: germline.
Comment: This sequence change replaces alanine with valine at codon 89 of the CDKN1C protein (p.Ala89Val). The alanine residue is moderately conserved and there is a small physicochemical difference between alanine and valine. In summary, the available evidence is currently insufficient to determine the role of this variant in disease. Therefore, it has been classified as a Variant of Uncertain Significance. Algorithms developed to predict the effect of missense changes on protein structure and function are either unavailable or do not agree on the potential impact of this missense change (SIFT: "Tolerated"; PolyPhen-2: "Probably Damaging"; Align-GVGD: "Class C0"). This variant has not been reported in the literature in individuals with CDKN1C-related conditions. The frequency data for this variant in the population databases is considered unreliable, as metrics indicate insufficient coverage at this position in the ExAC database.